The following is an entry in ClinVar:

ClinVar aggregate classification (germline): Uncertain significance (1 of 4 stars; one submission).

Submission:

GeneDx
Classification: Uncertain significance. Last evaluated: 2019-09-19. Review status: criteria provided, single submitter. Criteria: GeneDx Variant Classification Process June 2021. Collection method: clinical testing. Allele origin: germline. Affected: yes.
Comment: Not observed in large population cohorts (Lek et al., 2016); In silico analysis, which includes protein predictors and evolutionary conservation, supports a deleterious effect; Has not been previously published as pathogenic or benign to our knowledge; Variants in candidate genes are classified as variants of uncertain significance in accordance with ACMG guidelines (Richards et al., 2015)

NM_015557.3(CHD5):c.3064T>C (p.Ser1022Pro)

Gene: CHD5 (chromodomain helicase DNA binding protein 5; minus strand). Cytogenetic location: 1p36.31.
Variant type: single nucleotide variant.
Coding change: c.3064T>C on transcript NM_015557.3 (MANE Select); coding-DNA position 3064, T replaced by C.
Protein change: p.Ser1022Pro; replaces serine 1022 with proline.
Molecular consequence: missense variant.
Genome position (GRCh38, 1-based): chr1:6,134,208, A>G on the plus strand (T>C on the coding strand, the complement: CHD5 is on the minus strand). VCF-style: chr1-6134208-A-G. GRCh37 (hg19) VCF-style: chr1-6194268-A-G.
Other names: short protein forms S1022P.
Identifiers: ClinVar variation 1312268 (VCV001312268.2), dbSNP rs2100850582, ClinGen allele CA338077742.